The following is an entry in ClinVar:

NM_014844.5(TECPR2):c.2854G>C (p.Glu952Gln)

Gene: TECPR2 (tectonin beta-propeller repeat containing 2; plus strand). Cytogenetic location: 14q32.31.
Variant type: single nucleotide variant.
Coding change: c.2854G>C on transcript NM_014844.5 (MANE Select); coding-DNA position 2854, G replaced by C.
Protein change: p.Glu952Gln; replaces glutamic acid 952 with glutamine.
Molecular consequence: missense variant.
Genome position (GRCh38, 1-based): chr14:102,443,748, G>C. VCF-style: chr14-102443748-G-C. GRCh37 (hg19) VCF-style: chr14-102910085-G-C.
Other names: c.2854G>C, p.Glu952Gln (NM_001172631.3); short protein forms E952Q.
Identifiers: ClinVar variation 3709358 (VCV003709358.2).

ClinVar aggregate classification (germline): Uncertain significance (1 of 4 stars; one submission).

Conditions:
Hereditary spastic paraplegia 49 (HSAN9). Also called: Spastic paraplegia 49, autosomal recessive; TECPR2-Related Hereditary Sensory and Autonomic Neuropathy with Intellectual Disability; NEUROPATHY, HEREDITARY SENSORY AND AUTONOMIC, TYPE IX, WITH DEVELOPMENTAL DELAY. Identifiers: Orphanet 320385, MedGen C5190860, MONDO:0014016, OMIM 615031.

Submission:

Labcorp Genetics (formerly Invitae), Labcorp
Classification: Uncertain significance for Hereditary spastic paraplegia 49. Last evaluated: 2024-05-15. Review status: criteria provided, single submitter. Criteria: Invitae Variant Classification Sherloc (09022015). Collection method: clinical testing. Allele origin: germline.
Comment: This sequence change replaces glutamic acid, which is acidic and polar, with glutamine, which is neutral and polar, at codon 952 of the TECPR2 protein (p.Glu952Gln). This variant is not present in population databases (gnomAD no frequency). This variant has not been reported in the literature in individuals affected with TECPR2-related conditions. An algorithm developed to predict the effect of missense changes on protein structure and function (PolyPhen-2) suggests that this variant is likely to be disruptive. In summary, the available evidence is currently insufficient to determine the role of this variant in disease. Therefore, it has been classified as a Variant of Uncertain Significance.